The following is an entry in ClinVar:

NM_014515.7(CNOT2):c.285G>A (p.Gln95=)

Gene: CNOT2 (CCR4-NOT transcription complex subunit 2; plus strand). Cytogenetic location: 12q15.
Variant type: single nucleotide variant.
Coding change: c.285G>A on transcript NM_014515.7 (MANE Select); coding-DNA position 285, G replaced by A.
Protein change: p.Gln95=; no amino-acid change (glutamine 95 retained).
Molecular consequence: synonymous variant. On other transcripts: non-coding transcript variant (1).
Genome position (GRCh38, 1-based): chr12:70,329,469, G>A. VCF-style: chr12-70329469-G-A. GRCh37 (hg19) VCF-style: chr12-70723249-G-A.
Other names: c.285G>A, p.Gln95= (NM_001199302.2, NM_001199303.2, NM_001414651.1 and 2 more transcripts); c.258G>A, p.Gln86= (NM_001414653.1, NM_001414654.1, NM_001414655.1); c.243G>A, p.Gln81= (NM_001414656.1); c.225G>A, p.Gln75= (NM_001414657.1, NM_001414658.1, NM_001414659.1 and 1 more transcripts); c.162G>A, p.Gln54= (NM_001414661.1).
Identifiers: ClinVar variation 3058220 (VCV003058220.2), dbSNP rs2499098662, ClinGen allele CA480519973.

ClinVar aggregate classification (germline): Likely benign (0 of 4 stars; one submission).

Conditions:
CNOT2-related disorder. Also called: CNOT2-related condition.

Allele frequency attached by ClinVar (database versions not stated): gnomAD exomes below 0.00001.
gnomAD v4.1: 1 of 1,611,932 alleles (0.000062%); highest among the groups gnomAD compares: Non-Finnish European, 0.000085%; no homozygotes.

Submission:

PreventionGenetics, part of Exact Sciences
Classification: Likely benign for CNOT2-related condition. Last evaluated: 2024-01-14. Review status: no assertion criteria provided. Collection method: clinical testing. Allele origin: germline.
Comment: This variant is classified as likely benign based on ACMG/AMP sequence variant interpretation guidelines (Richards et al. 2015 PMID: 25741868, with internal and published modifications).